The following is an entry in ClinVar:

NM_005762.3(TRIM28):c.1020G>A (p.Lys340=)

Gene: TRIM28 (tripartite motif containing 28; plus strand). Cytogenetic location: 19q13.43.
Variant type: single nucleotide variant.
Coding change: c.1020G>A on transcript NM_005762.3 (MANE Select); coding-DNA position 1020, G replaced by A.
Protein change: p.Lys340=; no amino-acid change (lysine 340 retained).
Molecular consequence: synonymous variant.
Genome position (GRCh38, 1-based): chr19:58,548,099, G>A. VCF-style: chr19-58548099-G-A. GRCh37 (hg19) VCF-style: chr19-59059466-G-A.
Other names: c.1020G>A (NM_005762.2).
Identifiers: ClinVar variation 2715450 (VCV002715450.24), dbSNP rs61738789, ClinGen allele CA9719085.

ClinVar aggregate classification (germline): Likely benign. Review status: criteria provided, multiple submitters, no conflicts (2 of 4 stars). 3 submissions from 3 submitters: Likely benign (2). 1 of the submissions does not count toward it. Last evaluated 2025-12-20.

Conditions:
TRIM28-related disorder. Also called: TRIM28-related condition.

Allele frequency attached by ClinVar (database versions not stated): ExAC 0.00030; 1000 Genomes Project 30x 0.00031; 1000 Genomes Project 0.00040; TOPMed 0.00041; gnomAD 0.00042; ESP Exome Variant Server 0.00062; gnomAD exomes 0.00081.

Submissions (3):

Labcorp Genetics (formerly Invitae), Labcorp
Classification: Likely benign. Last evaluated: 2025-12-20. Review status: criteria provided, single submitter. Criteria: Invitae Variant Classification Sherloc (09022015). Collection method: clinical testing. Allele origin: germline.

CeGaT Center for Human Genetics Tuebingen
Classification: Likely benign. Last evaluated: 2025-11-01. Review status: criteria provided, single submitter. Criteria: CeGaT Center For Human Genetics Tuebingen Variant Classification Criteria Version 2. Collection method: clinical testing. Allele origin: germline. Affected: yes. Observed: 4 variant alleles.
Comment: TRIM28: BP4, BP7

PreventionGenetics, part of Exact Sciences
Classification: Likely benign for TRIM28-related condition. Last evaluated: 2020-01-02. Review status: no assertion criteria provided. Collection method: clinical testing. Allele origin: germline. Not counted in ClinVar's aggregate classification.
Comment: This variant is classified as likely benign based on ACMG/AMP sequence variant interpretation guidelines (Richards et al. 2015 PMID: 25741868, with internal and published modifications).